The following is an entry in ClinVar:

ClinVar aggregate classification (germline): Uncertain significance (1 of 4 stars; one submission).

Allele frequency attached by ClinVar (database versions not stated): gnomAD 0.00001.
gnomAD v4.1: 1 of 1,585,092 alleles (0.000063%); highest among the groups gnomAD compares: Admixed American, 0.0019%; no homozygotes.

Submission:

Ambry Genetics
Classification: Uncertain significance. Last evaluated: 2022-07-06. Review status: criteria provided, single submitter. Criteria: Ambry Variant Classification Scheme 2023. Collection method: clinical testing. Allele origin: germline.
Comment: The p.Y140C variant (also known as c.419A>G), located in coding exon 4 of the BUB1 gene, results from an A to G substitution at nucleotide position 419. The tyrosine at codon 140 is replaced by cysteine, an amino acid with highly dissimilar properties. This amino acid position is conserved. In addition, the in silico prediction for this alteration is inconclusive. Since supporting evidence is limited at this time, the clinical significance of this alteration remains unclear.

NM_004336.5(BUB1):c.419A>G (p.Tyr140Cys)

Gene: BUB1 (BUB1 mitotic checkpoint serine/threonine kinase; minus strand). Cytogenetic location: 2q13.
Variant type: single nucleotide variant.
Coding change: c.419A>G on transcript NM_004336.5 (MANE Select); coding-DNA position 419, A replaced by G.
Protein change: p.Tyr140Cys; replaces tyrosine 140 with cysteine.
Molecular consequence: missense variant.
Genome position (GRCh38, 1-based): chr2:110,672,664, T>C on the plus strand (A>G on the coding strand, the complement: BUB1 is on the minus strand). VCF-style: chr2-110672664-T-C. GRCh37 (hg19) VCF-style: chr2-111430241-T-C.
Other names: c.359A>G, p.Tyr120Cys (NM_001278616.2); c.419A>G, p.Tyr140Cys (NM_001278617.2); short protein forms Y120C, Y140C.
Identifiers: ClinVar variation 1738610 (VCV001738610.2), dbSNP rs1325883633, ClinGen allele CA348220266.